The following is an entry in ClinVar:

NM_033380.3(COL4A5):c.1183C>T (p.Pro395Ser)

Gene: COL4A5 (collagen type IV alpha 5 chain; plus strand). Cytogenetic location: Xq22.3.
Variant type: single nucleotide variant.
Coding change: c.1183C>T on transcript NM_033380.3 (MANE Select); coding-DNA position 1183, C replaced by T.
Protein change: p.Pro395Ser; replaces proline 395 with serine.
Molecular consequence: missense variant.
Genome position (GRCh38, 1-based): chrX:108,591,075, C>T. VCF-style: chrX-108591075-C-T. GRCh37 (hg19) VCF-style: chrX-107834305-C-T.
Other names: c.1183C>T, p.Pro395Ser (NM_000495.5); short protein forms P395S.
Identifiers: ClinVar variation 1185594 (VCV001185594.4), dbSNP rs2147796628, ClinGen allele CA413932164.

ClinVar aggregate classification (germline): Uncertain significance. Review status: criteria provided, multiple submitters, no conflicts (2 of 4 stars). 2 submissions from 2 submitters: Uncertain significance (2). Last evaluated 2022-06-14.

Conditions:
Nonsyndromic genetic hearing loss. Also called: Non-syndromic genetic deafness; Nonsyndromic hearing loss and deafness; Nonsyndromic genetic deafness. Identifiers: Orphanet 87884, MedGen C5680182, MONDO:0019497.

gnomAD v4.1: 1 of 1,208,865 alleles (0.000083%); highest among the groups gnomAD compares: Admixed American, 0.0022%; no homozygotes.

Submissions (2):

Labcorp Genetics (formerly Invitae), Labcorp
Classification: Uncertain significance. Last evaluated: 2022-06-14. Review status: criteria provided, single submitter. Criteria: Invitae Variant Classification Sherloc (09022015). Collection method: clinical testing. Allele origin: germline.
Comment: This sequence change replaces proline, which is neutral and non-polar, with serine, which is neutral and polar, at codon 395 of the COL4A5 protein (p.Pro395Ser). This variant is not present in population databases (gnomAD no frequency). This variant has not been reported in the literature in individuals affected with COL4A5-related conditions. ClinVar contains an entry for this variant (Variation ID: 1185594). Advanced modeling of protein sequence and biophysical properties (such as structural, functional, and spatial information, amino acid conservation, physicochemical variation, residue mobility, and thermodynamic stability) performed at Invitae indicates that this missense variant is not expected to disrupt COL4A5 protein function. In summary, the available evidence is currently insufficient to determine the role of this variant in disease. Therefore, it has been classified as a Variant of Uncertain Significance.

INGEBI, INGEBI / CONICET
Classification: Uncertain significance for Nonsyndromic genetic hearing loss. Last evaluated: 2021-07-15. Review status: criteria provided, single submitter. Criteria: ClinGen HL ACMG Specifications v1. Collection method: clinical testing. Allele origin: germline. Inheritance: X-linked inheritance. Affected: yes.
Comment: Based on ACMG/AMP guidelines and Hearing Loss Expert Panel specific criteria: The c.1183 C>T variant in COL4A5 gene is absent in population databases, PM2. Uncertain significance